The following is an entry in ClinVar:

ClinVar aggregate classification (germline): Uncertain significance (1 of 4 stars; one submission).

Conditions:
Familial focal epilepsy with variable foci (FPEVF). Identifiers: Orphanet 98820, MedGen C1858477, MONDO:0020310.

Allele frequency attached by ClinVar (database versions not stated): gnomAD exomes below 0.00001 and 0.00001; ExAC 0.00001.

Submission:

Labcorp Genetics (formerly Invitae), Labcorp
Classification: Uncertain significance for Familial focal epilepsy with variable foci. Last evaluated: 2021-09-15. Review status: criteria provided, single submitter. Criteria: Invitae Variant Classification Sherloc (09022015). Collection method: clinical testing. Allele origin: germline.
Comment: This variant has not been reported in the literature in individuals affected with DEPDC5-related conditions. Experimental studies and prediction algorithms are not available or were not evaluated, and the effect of this variant on mRNA splicing is currently unknown. In summary, the available evidence is currently insufficient to determine the role of this variant in disease. Therefore, it has been classified as a Variant of Uncertain Significance. This sequence change falls in intron 25 of the DEPDC5 gene. It does not directly change the encoded amino acid sequence of the DEPDC5 protein. This variant is present in population databases (rs769116792, ExAC 0.002%).

NM_001242896.3(DEPDC5):c.2171-11dup

Gene: DEPDC5 (DEP domain containing 5, GATOR1 subcomplex subunit; plus strand). Cytogenetic location: 22q12.3.
Variant type: Duplication.
Coding change: c.2171-11dup on transcript NM_001242896.3 (MANE Select); 11 bases into the intron before coding-DNA position 2171, one base duplicated (A; older notation c.2171-11dupA).
Molecular consequence: intron variant.
Genome position (GRCh38, 1-based): chr22:31,836,961, A duplicated. VCF-style (leftmost placement, unchanged base first): chr22-31836960-T-TA. GRCh37 (hg19) VCF-style: chr22-32232946-T-TA.
Other names: c.2171-11dup (NM_001364318.2, NM_001363852.2, NM_001364320.2); c.2171-38dup (NM_001136029.4, NM_014662.6, NM_001369903.1); c.1937-11dup (NM_001363854.2, NM_001242897.2, NM_001364319.2); c.2087-11dup (NM_001369902.1, NM_001369901.1).
Identifiers: ClinVar variation 1428760 (VCV001428760.6), dbSNP rs769116792, ClinGen allele CA10196652.